The following is an entry in ClinVar:

ClinVar aggregate classification (germline): Pathogenic/Likely pathogenic. Review status: criteria provided, multiple submitters, no conflicts (2 of 4 stars). 2 submissions from 2 submitters: Pathogenic (1); Likely pathogenic (1). Last evaluated 2022-01-13.

Conditions:
Wolman disease (WOLD). Also called: Acid cholesteryl ester hydrolase deficiency, Wolman type; Acid lipase disease; Wolman disease, CESD; LYSOSOMAL ACID LIPASE DEFICIENCY, ACUTE INFANTILE; LYSOSOMAL ACID LIPASE DEFICIENCY, COMPLETE; LIPA DEFICIENCY, COMPLETE. Identifiers: Orphanet 75233, MedGen C0043208, MONDO:0019148, OMIM 620151.
Lysosomal acid lipase deficiency. Also called: Acid cholesteryl ester hydrolase deficiency, type 2. Identifiers: Orphanet 275761, MedGen C5574740, MONDO:0800449, MONDO:0010204.

Submissions (2):

Labcorp Genetics (formerly Invitae), Labcorp
Classification: Pathogenic for Wolman disease. Last evaluated: 2022-01-13. Review status: criteria provided, single submitter. Criteria: Invitae Variant Classification Sherloc (09022015). Collection method: clinical testing. Allele origin: germline.
Comment: Algorithms developed to predict the effect of missense changes on protein structure and function are either unavailable or do not agree on the potential impact of this missense change (SIFT: "Tolerated"; PolyPhen-2: "Probably Damaging"; Align-GVGD: "Class C0"). ClinVar contains an entry for this variant (Variation ID: 695062). This variant is also known as Q64R. This missense change has been observed in individual(s) with lysosomal acid lipase deficiency (PMID: 9684740). This variant is not present in population databases (gnomAD no frequency). This sequence change replaces glutamine, which is neutral and polar, with arginine, which is basic and polar, at codon 85 of the LIPA protein (p.Gln85Arg). For these reasons, this variant has been classified as Pathogenic. This variant disrupts the p.Gln85 amino acid residue in LIPA. Other variant(s) that disrupt this residue have been determined to be pathogenic (PMID: 25624737; Invitae). This suggests that this residue is clinically significant, and that variants that disrupt this residue are likely to be disease-causing. Experimental studies have shown that this missense change affects LIPA function (PMID: 9684740, 31131398, 31180157).

Alexion, Astrazeneca Rare Disease, Astrazeneca
Classification: Likely pathogenic for Lysosomal acid lipase deficiency. Last evaluated: 2019-06-01. Review status: criteria provided, single submitter. Criteria: ACMG Guidelines, 2015. Collection method: research. Allele origin: germline. Affected: yes.
Comment: ACMG PS3 criterion ascertained by in-vitro functional study, PMID:31180157

Literature cited by the submitters: PubMed 9684740 (cited by Labcorp Genetics (formerly Invitae), Labcorp); PubMed 25624737 (cited by Labcorp Genetics (formerly Invitae), Labcorp); PubMed 31131398 (cited by Labcorp Genetics (formerly Invitae), Labcorp); PubMed 31180157 (cited by Labcorp Genetics (formerly Invitae), Labcorp and Alexion, Astrazeneca Rare Disease, Astrazeneca); PubMed 24792990 (cited by Alexion, Astrazeneca Rare Disease, Astrazeneca).

NM_000235.4(LIPA):c.254A>G (p.Gln85Arg)

Gene: LIPA (lipase A, lysosomal acid type; minus strand). Cytogenetic location: 10q23.31.
Variant type: single nucleotide variant.
Coding change: c.254A>G on transcript NM_000235.4 (MANE Select); coding-DNA position 254, A replaced by G.
Protein change: p.Gln85Arg; replaces glutamine 85 with arginine.
Molecular consequence: missense variant. On other transcripts: 5 prime UTR variant (1).
Genome position (GRCh38, 1-based): chr10:89,228,374, T>C on the plus strand (A>G on the coding strand, the complement: LIPA is on the minus strand). VCF-style: chr10-89228374-T-C. GRCh37 (hg19) VCF-style: chr10-90988131-T-C.
Other names: c.254A>G, p.Gln85Arg (NM_001127605.3); c.-95A>G (NM_001288979.2); short protein forms Q85R.
Identifiers: ClinVar variation 695062 (VCV000695062.8), dbSNP rs1589558414, ClinGen allele CA377518108.